The following is an entry in ClinVar:

NM_152419.3(HGSNAT):c.1870T>C (p.Tyr624His)

Gene: HGSNAT (heparan-alpha-glucosaminide N-acetyltransferase; plus strand). Cytogenetic location: 8p11.21.
Variant type: single nucleotide variant.
Coding change: c.1870T>C on transcript NM_152419.3 (MANE Select); coding-DNA position 1870, T replaced by C.
Protein change: p.Tyr624His; replaces tyrosine 624 with histidine.
Molecular consequence: missense variant.
Genome position (GRCh38, 1-based): chr8:43,199,531, T>C. VCF-style: chr8-43199531-T-C. GRCh37 (hg19) VCF-style: chr8-43054674-T-C.
Other names: c.1957T>C, p.Tyr653His (NM_001363227.2); c.1678T>C, p.Tyr560His (NM_001363228.2); c.1006T>C, p.Tyr336His (NM_001363229.2); short protein forms Y560H, Y624H, Y336H, Y653H.
Identifiers: ClinVar variation 1979620 (VCV001979620.1), dbSNP rs1323309540, ClinGen allele CA371121726.
Genomic context (GRCh38, chr8:43,199,531, plus strand): 5'-TCCCACAAGGAGCACCTGACTCAGAACATCGTCGCCACTGCCCTCTGGGTGCTCATTGCC[T>C]ACATCCTCTATAGAAAGAAGATTTTTTGGAAAATCTGATGGCTCCCACTGAGATGTGCTG-3'
Protein context (NP_689632.2, residues 614-634): VATALWVLIA[Tyr624His]ILYRKKIFWK

ClinVar aggregate classification (germline): Uncertain significance (1 of 4 stars; one submission).

Conditions:
Retinitis pigmentosa 73 (RP73). Identifiers: Orphanet 791, MedGen C4225287, MONDO:0014687, OMIM 616544.
Mucopolysaccharidosis, MPS-III-C (MPS3C). Also called: SANFILIPPO SYNDROME C; MPS III C; Mucopolysaccharidosis type IIIC (Sanfilippo C); MUCOPOLYSACCHARIDOSIS, TYPE IIIC; mucopolysaccharidosis type 3C; MPS IIIC (Sanfilippo Syndrome Type C). Identifiers: Orphanet 581, Orphanet 79271, MedGen C0086649, MONDO:0009657, OMIM 252930.

Allele frequency attached by ClinVar (database versions not stated): gnomAD exomes below 0.00001; gnomAD 0.00001; TOPMed below 0.00001.
gnomAD v4.1: 2 of 1,593,868 alleles (0.00013%); highest among the groups gnomAD compares: Non-Finnish European, 0.00017%; no homozygotes.

Submission:

Labcorp Genetics (formerly Invitae), Labcorp
Classification: Uncertain significance for Retinitis pigmentosa 73; Mucopolysaccharidosis, MPS-III-C. Last evaluated: 2022-01-02. Review status: criteria provided, single submitter. Criteria: Invitae Variant Classification Sherloc (09022015). Collection method: clinical testing. Allele origin: germline.
Comment: This sequence change replaces tyrosine, which is neutral and polar, with histidine, which is basic and polar, at codon 624 of the HGSNAT protein (p.Tyr624His). This variant is not present in population databases (gnomAD no frequency). This variant has not been reported in the literature in individuals affected with HGSNAT-related conditions. Advanced modeling of protein sequence and biophysical properties (such as structural, functional, and spatial information, amino acid conservation, physicochemical variation, residue mobility, and thermodynamic stability) performed at Invitae indicates that this missense variant is expected to disrupt HGSNAT protein function. In summary, the available evidence is currently insufficient to determine the role of this variant in disease. Therefore, it has been classified as a Variant of Uncertain Significance.